The following is an entry in ClinVar:

ClinVar aggregate classification (germline): Uncertain significance (1 of 4 stars; one submission).

Allele frequency attached by ClinVar (database versions not stated): TOPMed below 0.00001.

Submission:

CeGaT Center for Human Genetics Tuebingen
Classification: Uncertain significance. Last evaluated: 2022-03-01. Review status: criteria provided, single submitter. Criteria: CeGaT Center For Human Genetics Tuebingen Variant Classification Criteria Version 2. Collection method: clinical testing. Allele origin: germline. Affected: yes. Observed: 1 variant allele.
Comment: TTN: PM2

NM_001267550.2(TTN):c.5323A>G (p.Ile1775Val)

Gene: TTN (titin; minus strand). Cytogenetic location: 2q31.2.
Variant type: single nucleotide variant.
Coding change: c.5323A>G on transcript NM_001267550.2 (MANE Select); coding-DNA position 5323, A replaced by G.
Protein change: p.Ile1775Val; replaces isoleucine 1775 with valine.
Molecular consequence: missense variant.
Genome position (GRCh38, 1-based): chr2:178,776,541, T>C on the plus strand (A>G on the coding strand, the complement: TTN is on the minus strand). VCF-style: chr2-178776541-T-C. GRCh37 (hg19) VCF-style: chr2-179641268-T-C.
Other names: c.5323A>G, p.Ile1775Val (NM_001256850.1, NM_133378.4, NM_133379.5); c.5185A>G, p.Ile1729Val (NM_003319.4, NM_133432.3, NM_133437.4); short protein forms I1729V, I1775V.
Identifiers: ClinVar variation 2651723 (VCV002651723.24), dbSNP rs893667685, ClinGen allele CA60977875.